The following is an entry in ClinVar:

ClinVar aggregate classification (germline): Uncertain significance. Review status: criteria provided, multiple submitters, no conflicts (2 of 4 stars). 2 submissions from 2 submitters: Uncertain significance (2). Last evaluated 2023-05-05.

Conditions:
Autosomal recessive limb-girdle muscular dystrophy type 2J (LGMDR10). Also called: Limb-girdle muscular dystrophy, type 2J; MUSCULAR DYSTROPHY, LIMB-GIRDLE, AUTOSOMAL RECESSIVE 10. Identifiers: Orphanet 140922, MedGen C1837342, MONDO:0012127, OMIM 608807.
Dilated cardiomyopathy 1G (CMD1G). Identifiers: Orphanet 154, MedGen C1858763, MONDO:0011400, OMIM 604145.

Allele frequency attached by ClinVar (database versions not stated): gnomAD 0.00001; gnomAD exomes 0.00001; TOPMed 0.00001.
gnomAD v4.1: 9 of 1,613,902 alleles (0.00056%); highest among the groups gnomAD compares: Non-Finnish European, 0.00068%; no homozygotes.

Submissions (2):

Labcorp Genetics (formerly Invitae), Labcorp
Classification: Uncertain significance for Dilated cardiomyopathy 1G; Autosomal recessive limb-girdle muscular dystrophy type 2J. Last evaluated: 2023-05-05. Review status: criteria provided, single submitter. Criteria: Invitae Variant Classification Sherloc (09022015). Collection method: clinical testing. Allele origin: germline.
Comment: ClinVar contains an entry for this variant (Variation ID: 2176867). Algorithms developed to predict the effect of missense changes on protein structure and function output the following: SIFT: "Not Available"; PolyPhen-2: "Not Available"; Align-GVGD: "Not Available". The arginine amino acid residue is found in multiple mammalian species, which suggests that this missense change does not adversely affect protein function. This variant is located in the M band of TTN (PMID: 25589632). Variants in this region may be relevant for neuromuscular disorders, but have not been definitively shown to cause cardiomyopathy (PMID: 23975875). In summary, the available evidence is currently insufficient to determine the role of this variant in disease. Therefore, it has been classified as a Variant of Uncertain Significance. This variant has not been reported in the literature in individuals affected with TTN-related conditions. This sequence change replaces histidine, which is basic and polar, with arginine, which is basic and polar, at codon 34989 of the TTN protein (p.His34989Arg). This variant is present in population databases (no rsID available, gnomAD 0.002%).

Revvity Omics, Revvity
Classification: Uncertain significance. Last evaluated: 2019-09-28. Review status: criteria provided, single submitter. Criteria: ACMG Guidelines, 2015. Collection method: clinical testing. Allele origin: germline.

Literature cited by the submitters: PubMed 25589632 (cited by Labcorp Genetics (formerly Invitae), Labcorp); PubMed 23975875 (cited by Labcorp Genetics (formerly Invitae), Labcorp).

NM_001267550.2(TTN):c.104966A>G (p.His34989Arg)

Genes: TTN (titin; minus strand), TTN-AS1 (TTN antisense RNA 1; plus strand). Cytogenetic location: 2q31.2.
Variant type: single nucleotide variant.
Coding change: c.104966A>G on transcript NM_001267550.2 (MANE Select); coding-DNA position 104966, A replaced by G.
Protein change: p.His34989Arg; replaces histidine 34989 with arginine.
Molecular consequence: missense variant.
Genome position (GRCh38, 1-based): chr2:178,531,649, T>C on the plus strand (A>G on the coding strand, the complement: TTN is on the minus strand). VCF-style: chr2-178531649-T-C. GRCh37 (hg19) VCF-style: chr2-179396376-T-C.
Other names: c.100043A>G, p.His33348Arg (NM_001256850.1); c.77771A>G, p.His25924Arg (NM_003319.4); c.97262A>G, p.His32421Arg (NM_133378.4); c.78146A>G, p.His26049Arg (NM_133432.3); c.78347A>G, p.His26116Arg (NM_133437.4); short protein forms H26116R, H25924R, H26049R, H32421R, H34989R, H33348R.
Identifiers: ClinVar variation 2176867 (VCV002176867.6), dbSNP rs1187175097, ClinGen allele CA349409775.